The following is an entry in ClinVar:

ClinVar aggregate classification (germline): Benign (1 of 4 stars; one submission).

Conditions:
Pseudohypoparathyroidism type 1B (PHP1B). Also called: PHP IB; Pseudohypoparathyroidism Ib (PHP-Ib); Pseudohypoparathyroidism Type IB. Identifiers: Orphanet 94089, MedGen C1864100, MONDO:0011301, OMIM 603233.

Allele frequency attached by ClinVar (database versions not stated): TOPMed 0.00023; gnomAD 0.00083 and 0.00009; gnomAD exomes 0.00241; 1000 Genomes Project 0.00359; 1000 Genomes Project 30x 0.00375.
gnomAD v4.1: 1,473 of 711,780 alleles (0.21%); highest among the groups gnomAD compares: South Asian, 2.3%; 36 homozygotes.

Submission:

Illumina Laboratory Services, Illumina
Classification: Benign for Pseudohypoparathyroidism type 1B. Last evaluated: 2018-01-13. Review status: criteria provided, single submitter. Criteria: ICSL Variant Classification Criteria 13 December 2019. Collection method: clinical testing. Allele origin: germline.
Comment: This variant was observed in the ICSL laboratory as part of a predisposition screen in an ostensibly healthy population. It had not been previously curated by ICSL or reported in the Human Gene Mutation Database (HGMD: prior to June 1st, 2018), and was therefore a candidate for classification through an automated scoring system. Utilizing variant allele frequency, disease prevalence and penetrance estimates, and inheritance mode, an automated score was calculated to assess if this variant is too frequent to cause the disease. Based on the score and internal cut-off values, a variant classified as benign is not then subjected to further curation. The score for this variant resulted in a classification of benign for this disease.

NM_001001433.3(STX16):c.-160G>A

Genes: STX16 (syntaxin 16; plus strand), STX16-NPEPL1 (STX16-NPEPL1 readthrough (NMD candidate); plus strand). Cytogenetic location: 20q13.32.
Variant type: single nucleotide variant.
Coding change: c.-160G>A on transcript NM_001001433.3 (MANE Select); 160 bases upstream of the start codon, G replaced by A.
Molecular consequence: 5 prime UTR variant. On other transcripts: non-coding transcript variant (2), intron variant (1).
Genome position (GRCh38, 1-based): chr20:58,651,847, G>A. VCF-style: chr20-58651847-G-A. GRCh37 (hg19) VCF-style: chr20-57226903-G-A.
Other names: c.-160G>A (NM_001134772.3, NM_001134773.3, NM_003763.6); c.-93-226G>A (NM_001204868.2).
Identifiers: ClinVar variation 339041 (VCV000339041.5), dbSNP rs368572667, ClinGen allele CA10644198.
Genomic context (GRCh38, chr20:58,651,847, plus strand): 5'-AGGGGGAGTCAGACAATTGGAAAGCCTAGGTAGTTATTTGGGGAGGGGTCTCTACGCCTT[G>A]GCGAAGCGCACAGCTGCATCTTTTTGGCTTGAGGCCTGAGGCCTTGTCGAGAAGCTTCCG-3'